The following is an entry in ClinVar:

ClinVar aggregate classification (germline): Uncertain significance (1 of 4 stars; one submission).

Allele frequency attached by ClinVar (database versions not stated): gnomAD exomes below 0.00001; gnomAD 0.00001.
gnomAD v4.1: 4 of 1,613,754 alleles (0.00025%); highest among the groups gnomAD compares: Non-Finnish European, 0.00034%; no homozygotes.

Submission:

Labcorp Genetics (formerly Invitae), Labcorp
Classification: Uncertain significance. Last evaluated: 2025-06-06. Review status: criteria provided, single submitter. Criteria: Invitae Variant Classification Sherloc (09022015). Collection method: clinical testing. Allele origin: germline.
Comment: This sequence change replaces serine, which is neutral and polar, with alanine, which is neutral and non-polar, at codon 156 of the AP3D1 protein (p.Ser156Ala). This variant is not present in population databases (gnomAD no frequency). This variant has not been reported in the literature in individuals affected with AP3D1-related conditions. ClinVar contains an entry for this variant (Variation ID: 2700901). An algorithm developed to predict the effect of missense changes on protein structure and function (PolyPhen-2) suggests that this variant is likely to be tolerated. In summary, the available evidence is currently insufficient to determine the role of this variant in disease. Therefore, it has been classified as a Variant of Uncertain Significance.

NM_001261826.3(AP3D1):c.466T>G (p.Ser156Ala)

Gene: AP3D1 (adaptor related protein complex 3 subunit delta 1; minus strand). Cytogenetic location: 19p13.3.
Variant type: single nucleotide variant.
Coding change: c.466T>G on transcript NM_001261826.3 (MANE Select); coding-DNA position 466, T replaced by G.
Protein change: p.Ser156Ala; replaces serine 156 with alanine.
Molecular consequence: missense variant.
Genome position (GRCh38, 1-based): chr19:2,130,534, A>C on the plus strand (T>G on the coding strand, the complement: AP3D1 is on the minus strand). VCF-style: chr19-2130534-A-C. GRCh37 (hg19) VCF-style: chr19-2130533-A-C.
Other names: c.466T>G, p.Ser156Ala (NM_001374799.1, NM_003938.8); short protein forms S156A.
Identifiers: ClinVar variation 2700901 (VCV002700901.3), dbSNP rs769359073, ClinGen allele CA403228461.